The following is an entry in ClinVar:

ClinVar aggregate classification (germline): Uncertain significance. Review status: criteria provided, multiple submitters, no conflicts (2 of 4 stars). 2 submissions from 2 submitters: Uncertain significance (2). Last evaluated 2025-01-05.

Conditions:
Hereditary cancer-predisposing syndrome. Also called: Tumor predisposition; Hereditary Cancer Syndrome; Hereditary neoplastic syndrome; Neoplastic Syndromes, Hereditary. Identifiers: Orphanet 140162, MedGen C0027672, MeSH D009386, MONDO:0015356.

Submissions (2):

Ambry Genetics
Classification: Uncertain significance for Hereditary cancer-predisposing syndrome. Last evaluated: 2025-01-05. Review status: criteria provided, single submitter. Criteria: Ambry Variant Classification Scheme 2023. Collection method: clinical testing. Allele origin: germline.
Comment: The p.Q899R variant (also known as c.2696A>G), located in coding exon 16 of the RAD50 gene, results from an A to G substitution at nucleotide position 2696. The glutamine at codon 899 is replaced by arginine, an amino acid with highly similar properties. This amino acid position is highly conserved in available vertebrate species. In addition, the in silico prediction for this alteration is inconclusive. Since supporting evidence is limited at this time, the clinical significance of this alteration remains unclear.

Labcorp Genetics (formerly Invitae), Labcorp
Classification: Uncertain significance for Hereditary cancer-predisposing syndrome. Last evaluated: 2023-06-24. Review status: criteria provided, single submitter. Criteria: Invitae Variant Classification Sherloc (09022015). Collection method: clinical testing. Allele origin: germline.
Comment: In summary, the available evidence is currently insufficient to determine the role of this variant in disease. Therefore, it has been classified as a Variant of Uncertain Significance. Advanced modeling of protein sequence and biophysical properties (such as structural, functional, and spatial information, amino acid conservation, physicochemical variation, residue mobility, and thermodynamic stability) performed at Invitae indicates that this missense variant is not expected to disrupt RAD50 protein function. ClinVar contains an entry for this variant (Variation ID: 486263). This variant has not been reported in the literature in individuals affected with RAD50-related conditions. This variant is not present in population databases (gnomAD no frequency). This sequence change replaces glutamine, which is neutral and polar, with arginine, which is basic and polar, at codon 899 of the RAD50 protein (p.Gln899Arg).

NM_005732.4(RAD50):c.2696A>G (p.Gln899Arg)

Gene: RAD50 (RAD50 double strand break repair protein; plus strand). Cytogenetic location: 5q31.1.
Variant type: single nucleotide variant.
Coding change: c.2696A>G on transcript NM_005732.4 (MANE Select); coding-DNA position 2696, A replaced by G.
Protein change: p.Gln899Arg; replaces glutamine 899 with arginine.
Molecular consequence: missense variant.
Genome position (GRCh38, 1-based): chr5:132,604,977, A>G. VCF-style: chr5-132604977-A-G. GRCh37 (hg19) VCF-style: chr5-131940669-A-G.
Other names: short protein forms Q899R.
Identifiers: ClinVar variation 486263 (VCV000486263.14), dbSNP rs1554099199, ClinGen allele CA360956929.